The following is an entry in ClinVar:

NM_213602.3(SIGLEC15):c.855C>T (p.Arg285=)

Genes: EPG5 (ectopic P-granules 5 autophagy tethering factor; minus strand), SIGLEC15 (sialic acid binding Ig like lectin 15; plus strand). Cytogenetic location: 18q12.3.
Variant type: single nucleotide variant.
Coding change: c.855C>T on transcript NM_213602.3 (MANE Select); coding-DNA position 855, C replaced by T.
Protein change: p.Arg285=; no amino-acid change (arginine 285 retained).
Molecular consequence: synonymous variant. On other transcripts: intron variant (1).
Genome position (GRCh38, 1-based): chr18:45,839,076, C>T. VCF-style: chr18-45839076-C-T. GRCh37 (hg19) VCF-style: chr18-43419041-C-T.
Other names: c.7557+16497G>A (NM_001410858.1).
Identifiers: ClinVar variation 2648698 (VCV002648698.22), dbSNP rs61995716, ClinGen allele CA8947852.

ClinVar aggregate classification (germline): Likely benign (1 of 4 stars; one submission).

Allele frequency attached by ClinVar (database versions not stated): 1000 Genomes Project 30x 0.00031; 1000 Genomes Project 0.00020; TOPMed 0.00125; gnomAD exomes 0.00096; gnomAD 0.00118; ExAC 0.00638.
gnomAD v4.1: 1,503 of 1,433,470 alleles (0.1%); highest among the groups gnomAD compares: Middle Eastern, 3%; 12 homozygotes.

Submission:

CeGaT Center for Human Genetics Tuebingen
Classification: Likely benign. Last evaluated: 2026-05-01. Review status: criteria provided, single submitter. Criteria: CeGaT Center For Human Genetics Tuebingen Variant Classification Criteria Version 2. Collection method: clinical testing. Allele origin: germline. Affected: yes. Observed: 7 variant alleles.
Comment: SIGLEC15: BP4, BP7